The following is an entry in ClinVar:

NM_014806.5(RUSC2):c.299A>T (p.His100Leu)

Gene: RUSC2 (RUN and SH3 domain containing 2; plus strand). Cytogenetic location: 9p13.3.
Variant type: single nucleotide variant.
Coding change: c.299A>T on transcript NM_014806.5 (MANE Select); coding-DNA position 299, A replaced by T.
Protein change: p.His100Leu; replaces histidine 100 with leucine.
Molecular consequence: missense variant. On other transcripts: non-coding transcript variant (1), intron variant (1).
Genome position (GRCh38, 1-based): chr9:35,546,820, A>T. VCF-style: chr9-35546820-A-T. GRCh37 (hg19) VCF-style: chr9-35546817-A-T.
Other names: c.299A>T, p.His100Leu (NM_001135999.2); c.-620-8240A>T (NM_001330740.2); short protein forms H100L.
Identifiers: ClinVar variation 1513362 (VCV001513362.6), dbSNP rs1189651387, ClinGen allele CA373326545.
Genomic context (GRCh38, chr9:35,546,820, plus strand): 5'-CTATAGACAGCACCAAGAGTAGGAGTCGGGATGGAAGAGGCCCTGGAGCCCCCAAACGAC[A>T]CAACCCCTTCTTGCTGCAGGAGGGTGTGGGTGAGCCAGGACTTGGTGACCTGTATGATGA-3'
Protein context (NP_055621.2, residues 90-110): DGRGPGAPKR[His100Leu]NPFLLQEGVG

ClinVar aggregate classification (germline): Uncertain significance (1 of 4 stars; one submission).

Allele frequency attached by ClinVar (database versions not stated): gnomAD exomes below 0.00001.
gnomAD v4.1: 1 of 1,612,166 alleles (0.000062%); highest among the groups gnomAD compares: Admixed American, 0.0017%; no homozygotes.

Submission:

Labcorp Genetics (formerly Invitae), Labcorp
Classification: Uncertain significance. Last evaluated: 2022-06-20. Review status: criteria provided, single submitter. Criteria: Invitae Variant Classification Sherloc (09022015). Collection method: clinical testing. Allele origin: germline.
Comment: This variant has not been reported in the literature in individuals affected with RUSC2-related conditions. This variant is present in population databases (no rsID available, gnomAD 0.003%). In summary, the available evidence is currently insufficient to determine the role of this variant in disease. Therefore, it has been classified as a Variant of Uncertain Significance. Algorithms developed to predict the effect of missense changes on protein structure and function (SIFT, PolyPhen-2, Align-GVGD) all suggest that this variant is likely to be disruptive. This sequence change replaces histidine, which is basic and polar, with leucine, which is neutral and non-polar, at codon 100 of the RUSC2 protein (p.His100Leu).